The following is an entry in ClinVar:

ClinVar aggregate classification (germline): Benign/Likely benign. Review status: criteria provided, multiple submitters, no conflicts (2 of 4 stars). 6 submissions from 6 submitters: Benign (1); Likely benign (4). 1 of the submissions does not count toward it. Last evaluated 2025-12-28.

Conditions:
Creatine deficiency syndrome 1.
Inborn genetic diseases. Identifiers: MedGen C0950123, MeSH D030342.
Creatine transporter deficiency (CCDS1). Also called: Creatine Transporter (CRTR) Deficiency; Mental retardation , X-linked with seizures, short stature and midface hypoplasia; Mental retardation , X-linked, with creatine transport deficiency; X-linked creatine transporter deficiency; X-linked creatine deficiency syndrome; SLC6A8-Related Creatine Transporter Deficiency. Identifiers: Orphanet 52503, MedGen C1845862, MONDO:0010305, OMIM 300352.

Allele frequency attached by ClinVar (database versions not stated): gnomAD exomes 0.00015 and 0.00021; 1000 Genomes Project 30x 0.00021; ExAC 0.00022; ESP Exome Variant Server 0.00028; gnomAD 0.00041 and 0.00042; TOPMed 0.00041.
gnomAD v4.1: 217 of 1,209,756 alleles (0.018%); highest among the groups gnomAD compares: African/African-American, 0.1%; 1 homozygote.

Submissions (6):

Labcorp Genetics (formerly Invitae), Labcorp
Classification: Benign for Creatine transporter deficiency. Last evaluated: 2025-12-28. Review status: criteria provided, single submitter. Criteria: Invitae Variant Classification Sherloc (09022015). Collection method: clinical testing. Allele origin: germline.

Blueprint Genetics
Classification: Likely benign. Last evaluated: 2024-09-02. Review status: criteria provided, single submitter. Criteria: ACMG Guidelines, 2015. Collection method: clinical testing. Allele origin: germline.

CeGaT Center for Human Genetics Tuebingen
Classification: Likely benign. Last evaluated: 2022-07-01. Review status: criteria provided, single submitter. Criteria: CeGaT Center For Human Genetics Tuebingen Variant Classification Criteria Version 2. Collection method: clinical testing. Allele origin: germline. Affected: yes. Observed: 2 variant alleles.
Comment: SLC6A8: BP4, BP7

GeneDx
Classification: Likely benign. Last evaluated: 2020-07-13. Review status: criteria provided, single submitter. Criteria: GeneDx Variant Classification Process June 2021. Collection method: clinical testing. Allele origin: germline. Affected: yes.

Ambry Genetics
Classification: Likely benign for Inborn genetic diseases. Last evaluated: 2018-01-16. Review status: criteria provided, single submitter. Criteria: Ambry Variant Classification Scheme 2023. Collection method: clinical testing. Allele origin: germline.

Natera, Inc.
Classification: Likely benign for Creatine deficiency syndrome 1. Last evaluated: 2019-12-06. Review status: no assertion criteria provided. Collection method: clinical testing. Allele origin: germline. Not counted in ClinVar's aggregate classification.

NM_005629.4(SLC6A8):c.1626C>T (p.Tyr542=)

Gene: SLC6A8 (solute carrier family 6 member 8; plus strand). Cytogenetic location: Xq28.
Variant type: single nucleotide variant.
Coding change: c.1626C>T on transcript NM_005629.4 (MANE Select); coding-DNA position 1626, C replaced by T.
Protein change: p.Tyr542=; no amino-acid change (tyrosine 542 retained).
Molecular consequence: synonymous variant.
Genome position (GRCh38, 1-based): chrX:153,694,748, C>T. VCF-style: chrX-153694748-C-T. GRCh37 (hg19) VCF-style: chrX-152960203-C-T.
Other names: c.1596C>T, p.Tyr532= (NM_001142805.2); c.1281C>T, p.Tyr427= (NM_001142806.1).
Identifiers: ClinVar variation 416001 (VCV000416001.41), dbSNP rs140601882, ClinGen allele CA10549605.